The following is an entry in ClinVar:

NM_001035.3(RYR2):c.6955G>A (p.Val2319Ile)

Gene: RYR2 (ryanodine receptor 2; plus strand). Cytogenetic location: 1q43.
Variant type: single nucleotide variant.
Coding change: c.6955G>A on transcript NM_001035.3 (MANE Select); coding-DNA position 6955, G replaced by A.
Protein change: p.Val2319Ile; replaces valine 2319 with isoleucine.
Molecular consequence: missense variant.
Genome position (GRCh38, 1-based): chr1:237,639,041, G>A. VCF-style: chr1-237639041-G-A. GRCh37 (hg19) VCF-style: chr1-237802341-G-A.
Other names: short protein forms V2319I.
Identifiers: ClinVar variation 3385772 (VCV003385772.1).

ClinVar aggregate classification (germline): Uncertain significance (1 of 4 stars; one submission).

Conditions:
Catecholaminergic polymorphic ventricular tachycardia (CVPT). Also called: Catecholamine-induced polymorphic ventricular tachycardia. Identifiers: Orphanet 3286, MedGen C5574922, MONDO:0017990.

Submission:

All of Us Research Program, National Institutes of Health
Classification: Uncertain significance for Catecholaminergic polymorphic ventricular tachycardia. Last evaluated: 2024-05-09. Review status: criteria provided, single submitter. Criteria: ACMG Guidelines, 2015. Collection method: clinical testing. Allele origin: germline. Inheritance: Autosomal dominant inheritance. Observed: 1 variant allele, 1 heterozygote.
Comment: This study involves interpretation of variants in research participants for the purpose of population health screening. Participant phenotype was not available at the time of variant classification. Additional details can be found in publication PMID: 35346344, PMCID: PMC8962531